The following is an entry in ClinVar:

NM_004415.4(DSP):c.5999_6011del (p.Ser2000fs)

Gene: DSP (desmoplakin; plus strand). Cytogenetic location: 6p24.3.
Variant type: Deletion.
Coding change: c.5999_6011del on transcript NM_004415.4 (MANE Select); coding-DNA positions 5999 to 6011, 13 bases deleted (CAGTGGAAGAAGT).
Protein change: p.Ser2000fs; shifts the reading frame from serine 2000.
Molecular consequence: frameshift variant.
Genome position (GRCh38, 1-based): chr6:7,583,261-7,583,273, CAGTGGAAGAAGT deleted; deleting any 13 consecutive bases within chr6:7,583,252-7,583,273 gives the same sequence; the c. name uses the placement nearest the transcript's 3' end. VCF-style (leftmost placement, unchanged base first): chr6-7583251-GGGAAGAAGTCAGT-G. GRCh37 (hg19) VCF-style: chr6-7583484-GGGAAGAAGTCAGT-G.
Other names: c.4202_4214del, p.Ser1401fs (NM_001008844.3); c.4670_4682del, p.Ser1557fs (NM_001319034.2); short protein forms S1557fs, S1401fs, S2000fs.
Identifiers: ClinVar variation 2022404 (VCV002022404.4), dbSNP rs2533938581, ClinGen allele CA2580075528.

ClinVar aggregate classification (germline): Pathogenic (1 of 4 stars; one submission).

Conditions:
Arrhythmogenic cardiomyopathy with wooly hair and keratoderma. Also called: PALMOPLANTAR KERATODERMA WITH LEFT VENTRICULAR CARDIOMYOPATHY AND WOOLLY HAIR; Carvajal syndrome; Arrhythmogenic cardiomyopathy with woolly hair and keratoderma; Dilated cardiomyopathy with woolly hair and keratoderma. Identifiers: Orphanet 65282, MedGen C1854063, MONDO:0011581, OMIM 605676.
Arrhythmogenic right ventricular dysplasia 8 (ARVD8). Also called: Arrhythmogenic Right Ventricular Dysplasia/Cardiomyopathy 8; ARRHYTHMOGENIC RIGHT VENTRICULAR CARDIOMYOPATHY 8; ARRHYTHMOGENIC RIGHT VENTRICULAR DYSPLASIA, FAMILIAL, 8. Identifiers: MedGen C1843896, MONDO:0011831, OMIM 607450.

Submission:

Labcorp Genetics (formerly Invitae), Labcorp
Classification: Pathogenic for Arrhythmogenic cardiomyopathy with wooly hair and keratoderma; Arrhythmogenic right ventricular dysplasia 8. Last evaluated: 2022-08-08. Review status: criteria provided, single submitter. Criteria: Invitae Variant Classification Sherloc (09022015). Collection method: clinical testing. Allele origin: germline.
Comment: This variant is not present in population databases (gnomAD no frequency). For these reasons, this variant has been classified as Pathogenic. This variant disrupts a region of the DSP protein in which other variant(s) (p.Glu2728Glyfs*11) have been determined to be pathogenic (Invitae). This suggests that this is a clinically significant region of the protein, and that variants that disrupt it are likely to be disease-causing. This variant has not been reported in the literature in individuals affected with DSP-related conditions. This sequence change creates a premature translational stop signal (p.Ser2000Leufs*29) in the DSP gene. While this is not anticipated to result in nonsense mediated decay, it is expected to disrupt the last 872 amino acid(s) of the DSP protein.